The following is an entry in ClinVar:

NM_002830.4(PTPN4):c.983del (p.Gly328fs)

Gene: PTPN4 (protein tyrosine phosphatase non-receptor type 4; plus strand). Cytogenetic location: 2q14.2.
Variant type: Deletion.
Coding change: c.983del on transcript NM_002830.4 (MANE Select); coding-DNA position 983, one base deleted (G; older notation c.983delG).
Protein change: p.Gly328fs; shifts the reading frame from glycine 328.
Molecular consequence: frameshift variant.
Genome position (GRCh38, 1-based): chr2:119,920,223, G deleted; the last of 2 consecutive G bases (chr2:119,920,222-119,920,223); deleting either gives the same sequence. VCF-style (leftmost placement, unchanged base first): chr2-119920221-AG-A. GRCh37 (hg19) VCF-style: chr2-120677797-AG-A.
Other names: short protein forms G328fs.
Identifiers: ClinVar variation 3906049 (VCV003906049.10).

ClinVar aggregate classification (germline): Uncertain significance (1 of 4 stars; one submission).

Submission:

CeGaT Center for Human Genetics Tuebingen
Classification: Uncertain significance. Last evaluated: 2025-06-01. Review status: criteria provided, single submitter. Criteria: CeGaT Center For Human Genetics Tuebingen Variant Classification Criteria Version 2. Collection method: clinical testing. Allele origin: germline. Affected: yes. Observed: 1 variant allele.
Comment: PTPN4: PM2, PVS1:Moderate